The following is an entry in ClinVar:

ClinVar aggregate classification (germline): Uncertain significance (0 of 4 stars; one submission).

Conditions:
TBX3-related disorder. Also called: TBX3-related condition.

gnomAD v4.1: 24 of 1,515,388 alleles (0.0016%); highest among the groups gnomAD compares: Non-Finnish European, 0.0021%; no homozygotes.

Submission:

PreventionGenetics, part of Exact Sciences
Classification: Uncertain significance for TBX3-related condition. Last evaluated: 2024-08-29. Review status: no assertion criteria provided. Collection method: clinical testing. Allele origin: germline.
Comment: The TBX3 c.1433C>G variant is predicted to result in the amino acid substitution p.Ala478Gly. To our knowledge, this variant has not been reported in the literature or in a large population database, indicating this variant is rare. At this time, the clinical significance of this variant is uncertain due to the absence of conclusive functional and genetic evidence.

NM_005996.4(TBX3):c.1373C>G (p.Ala458Gly)

Gene: TBX3 (T-box transcription factor 3; minus strand). Cytogenetic location: 12q24.21.
Variant type: single nucleotide variant.
Coding change: c.1373C>G on transcript NM_005996.4 (MANE Select); coding-DNA position 1373, C replaced by G.
Protein change: p.Ala458Gly; replaces alanine 458 with glycine.
Molecular consequence: missense variant.
Genome position (GRCh38, 1-based): chr12:114,674,502, G>C on the plus strand (C>G on the coding strand, the complement: TBX3 is on the minus strand). VCF-style: chr12-114674502-G-C. GRCh37 (hg19) VCF-style: chr12-115112307-G-C.
Other names: c.1433C>G, p.Ala478Gly (NM_016569.4); short protein forms A458G, A478G.
Identifiers: ClinVar variation 3353040 (VCV003353040.1).
Genomic context (GRCh38, chr12:114,674,502, plus strand): 5'-AGGGGGCCCTGGGCCAGGTGCGCGGCGGCCGCGTCCGTCTGCACCGTGAGCGGCGCGAAG[G>C]CCTCCTTGCCCGGGAGCGCGCGCGCCTCTTCCACCTTGGCCGGCGCTGTGCCCTCGCGAA-3'
Protein context (NP_005987.3, residues 448-468): EEARALPGKE[Ala458Gly]FAPLTVQTDA